The following is an entry in ClinVar:

NM_001942.4(DSG1):c.65A>G (p.Asn22Ser)

Gene: DSG1 (desmoglein 1; plus strand). Cytogenetic location: 18q12.1.
Variant type: single nucleotide variant.
Coding change: c.65A>G on transcript NM_001942.4 (MANE Select); coding-DNA position 65, A replaced by G.
Protein change: p.Asn22Ser; replaces asparagine 22 with serine.
Molecular consequence: missense variant.
Genome position (GRCh38, 1-based): chr18:31,326,597, A>G. VCF-style: chr18-31326597-A-G. GRCh37 (hg19) VCF-style: chr18-28906560-A-G.
Other names: short protein forms N22S.
Identifiers: ClinVar variation 4996382 (VCV004996382.1).
Genomic context (GRCh38, chr18:31,326,597, plus strand): 5'-ATTTAATTAAAAAATAACTAGTGTGATTATCTTATTTTTTACAGGTGGTGGTAGAAGTTA[A>G]CAGTGAATTCCGAATCCAGGTAATATATAACAAATCCATTTTTCCAAATTTTTAAACAAG-3'
Protein context (NP_001933.2, residues 12-32): LFIFLVVVEV[Asn22Ser]SEFRIQVRDY

ClinVar aggregate classification (germline): Uncertain significance (1 of 4 stars; one submission).

Conditions:
DSG1-related disorder. Also called: DSG1-related condition.

Submission:

PreventionGenetics, part of Exact Sciences
Classification: Uncertain significance for DSG1-related condition. Last evaluated: 2025-10-27. Review status: criteria provided, single submitter. Criteria: ACMG Guidelines, 2015. Collection method: clinical testing. Allele origin: germline.
Comment: The DSG1 c.65A>G variant is predicted to result in the amino acid substitution p.Asn22Ser. To our knowledge, this variant has not been reported in the literature or in a large population database (gnomAD), indicating this variant is rare. At this time, the clinical significance of this variant is uncertain due to the absence of conclusive functional and genetic evidence.